The following is an entry in ClinVar:

NM_000533.5(PLP1):c.676T>C (p.Ser226Pro)

Genes: PLP1 (proteolipid protein 1; plus strand), RAB9B (RAB9B, member RAS oncogene family; minus strand). Cytogenetic location: Xq22.2.
Variant type: single nucleotide variant.
Coding change: c.676T>C on transcript NM_000533.5 (MANE Select); coding-DNA position 676, T replaced by C.
Protein change: p.Ser226Pro; replaces serine 226 with proline.
Molecular consequence: missense variant.
Genome position (GRCh38, 1-based): chrX:103,788,490, T>C. VCF-style: chrX-103788490-T-C. GRCh37 (hg19) VCF-style: chrX-103043419-T-C.
Other names: c.676T>C (NM_000533.3); c.676T>C, p.Ser226Pro (NM_001128834.3); c.511T>C, p.Ser171Pro (NM_001305004.1); c.571T>C, p.Ser191Pro (NM_199478.3); short protein forms S171P, S191P, S226P.
Identifiers: ClinVar variation 3255448 (VCV003255448.5), dbSNP rs2522318268.

ClinVar aggregate classification (germline): Pathogenic/Likely pathogenic. Review status: criteria provided, multiple submitters, no conflicts (2 of 4 stars). 3 submissions from 3 submitters: Pathogenic (1); Likely pathogenic (2). Last evaluated 2024-11-04.

Conditions:
Pelizaeus-Merzbacher disease. Also called: LEUKODYSTROPHY, HYPOMYELINATING, 1; Sudanophilic leukodystrophy; Pelizaeus-Merzbacher spectrum disorder; Pelizaeus-Merzbacher Disease (PMD); Pelizeaus-Merzbacher spectrum disorder. Identifiers: Orphanet 702, MedGen C0205711, MONDO:0010714, OMIM 312080, HP:0003269.
Hereditary spastic paraplegia 2 (SPG2). Also called: SPASTIC PARAPLEGIA 2, X-LINKED; Spastic Paraplegia 2 (SPG2). Identifiers: Orphanet 99015, MedGen C0751604, MONDO:0010733, OMIM 312920.

Submissions (3):

Labcorp Genetics (formerly Invitae), Labcorp
Classification: Pathogenic for Hereditary spastic paraplegia 2. Last evaluated: 2024-11-04. Review status: criteria provided, single submitter. Criteria: Invitae Variant Classification Sherloc (09022015). Collection method: clinical testing. Allele origin: germline.
Comment: This sequence change replaces serine, which is neutral and polar, with proline, which is neutral and non-polar, at codon 226 of the PLP1 protein (p.Ser226Pro). This variant is not present in population databases (gnomAD no frequency). This missense change has been observed in individuals with hereditary spastic paraplegia and/or Pelizaeus–Merzbacher disease (PMID: 8780101, 24139698). It has also been observed to segregate with disease in related individuals. This variant is also known as Ser225Pro. ClinVar contains an entry for this variant (Variation ID: 3255448). Invitae Evidence Modeling of protein sequence and biophysical properties (such as structural, functional, and spatial information, amino acid conservation, physicochemical variation, residue mobility, and thermodynamic stability) indicates that this missense variant is not expected to disrupt PLP1 protein function with a negative predictive value of 80%. For these reasons, this variant has been classified as Pathogenic.

GeneDx
Classification: Likely pathogenic. Last evaluated: 2024-06-03. Review status: criteria provided, single submitter. Criteria: GeneDx Variant Classification Process June 2021. Collection method: clinical testing. Allele origin: germline. Affected: yes.
Comment: Not observed at significant frequency in large population cohorts (gnomAD); In silico analysis supports that this missense variant has a deleterious effect on protein structure/function; This variant is associated with the following publications: (PMID: 8780101, 24139698)

Molecular Diagnostics Lab, Nemours Children's Health, Delaware
Classification: Likely pathogenic for Pelizaeus-Merzbacher disease. Last evaluated: 2021-12-29. Review status: criteria provided, single submitter. Criteria: ACMG Guidelines, 2015. Collection method: clinical testing. Allele origin: unknown. Inheritance: X-linked inheritance. Affected: yes and no. Observed: 2 heterozygotes, 2 hemizygotes.
Comment: This missense variant (c.676T>C, p.Ser226Pro) has not been observed in population databases (gnomAD). It has been described in the literature (PMID 8780101). Variant prediction programs support a deleterious effect on the protein, although no functional studies have been published.

Literature cited by the submitters: PubMed 8780101 (cited by Labcorp Genetics (formerly Invitae), Labcorp and Molecular Diagnostics Lab, Nemours Children's Health, Delaware); PubMed 24139698 (cited by Labcorp Genetics (formerly Invitae), Labcorp).